The following is an entry in ClinVar:

ClinVar aggregate classification (germline): Uncertain significance (1 of 4 stars; one submission).

Conditions:
Emery-Dreifuss muscular dystrophy (EDMD). Also called: Scapuloperoneal syndrome, X-linked (formerly); Humeroperoneal neuromuscular disease, (formerly). Identifiers: Orphanet 261, MedGen C0410189, MONDO:0016830.

Allele frequency attached by ClinVar (database versions not stated): TOPMed below 0.00001; ExAC 0.00001; gnomAD exomes 0.00001; gnomAD 0.00003.
gnomAD v4.1: 15 of 1,613,550 alleles (0.00093%); highest among the groups gnomAD compares: African/African-American, 0.0027%; no homozygotes.

Submission:

Labcorp Genetics (formerly Invitae), Labcorp
Classification: Uncertain significance for Emery-Dreifuss muscular dystrophy. Last evaluated: 2021-11-20. Review status: criteria provided, single submitter. Criteria: Invitae Variant Classification Sherloc (09022015). Collection method: clinical testing. Allele origin: germline.
Comment: This sequence change replaces alanine, which is neutral and non-polar, with threonine, which is neutral and polar, at codon 611 of the SUN2 protein (p.Ala611Thr). This variant is present in population databases (rs754499171, gnomAD 0.002%). This variant has not been reported in the literature in individuals affected with SUN2-related conditions. Algorithms developed to predict the effect of missense changes on protein structure and function are either unavailable or do not agree on the potential impact of this missense change (SIFT: "Tolerated"; PolyPhen-2: "Probably Damaging"; Align-GVGD: "Class C0"). In summary, the available evidence is currently insufficient to determine the role of this variant in disease. Therefore, it has been classified as a Variant of Uncertain Significance.

NM_015374.3(SUN2):c.1831G>A (p.Ala611Thr)

Genes: GTPBP1 (GTP binding protein 1; plus strand), SUN2 (Sad1 and UNC84 domain containing 2; minus strand). Cytogenetic location: 22q13.1.
Variant type: single nucleotide variant.
Coding change: c.1831G>A on transcript NM_015374.3 (MANE Select); coding-DNA position 1831, G replaced by A.
Protein change: p.Ala611Thr; replaces alanine 611 with threonine.
Molecular consequence: missense variant.
Genome position (GRCh38, 1-based): chr22:38,738,703, C>T on the plus strand (G>A on the coding strand, the complement: SUN2 is on the minus strand). VCF-style: chr22-38738703-C-T. GRCh37 (hg19) VCF-style: chr22-39134708-C-T.
Other names: c.1894G>A, p.Ala632Thr (NM_001199579.2, NM_001394428.1); c.1831G>A, p.Ala611Thr (NM_001199580.2, NM_001394431.1, NM_001394432.1 and 3 more transcripts); c.1924G>A, p.Ala642Thr (NM_001394427.1); c.1876G>A, p.Ala626Thr (NM_001394429.1, NM_001394430.1); c.1828G>A, p.Ala610Thr (NM_001394436.1, NM_001394437.1); c.1741G>A, p.Ala581Thr (NM_001394438.1); c.1693G>A, p.Ala565Thr (NM_001394439.1, NM_001394440.1, NM_001394441.1); c.1432G>A, p.Ala478Thr (NM_001394442.1); and 2 more; short protein forms A478T, A581T, A632T, A447T, A565T, A610T, A611T, A419T.
Identifiers: ClinVar variation 1398114 (VCV001398114.1), dbSNP rs754499171, ClinGen allele CA10235411.